The following is an entry in ClinVar:

NC_000011.10:g.(?_108317363)_(108317531_?)del

Genes: ATM (ATM serine/threonine kinase; plus strand), C11orf65 (chromosome 11 open reading frame 65; minus strand). Cytogenetic location: 11q22.3.
Variant type: Deletion.
Identifiers: ClinVar variation 663959 (VCV000663959.6).

ClinVar aggregate classification (germline): Pathogenic (1 of 4 stars; one submission).

Conditions:
Ataxia-telangiectasia syndrome (AT). Also called: Ataxia-telangiectasia, complementation group D; AT, COMPLEMENTATION GROUP C; Ataxia telangiectasia (A-T); Cerebello-oculocutaneous telangiectasia; Immunodeficiency with ataxia telangiectasia; ATAXIA-TELANGIECTASIA, COMPLEMENTATION GROUP A. Identifiers: Orphanet 100, MedGen C0004135, MONDO:0008840, OMIM 208900.

Submission:

Labcorp Genetics (formerly Invitae), Labcorp
Classification: Pathogenic for Ataxia-telangiectasia syndrome. Last evaluated: 2022-03-23. Review status: criteria provided, single submitter. Criteria: Invitae Variant Classification Sherloc (09022015). Collection method: clinical testing. Allele origin: germline.
Comment: This variant is a gross deletion of the genomic region encompassing exon(s) 43 of the ATM gene. This deletion is out-of-frame, and is expected to create a premature termination codon and result in an absent or disrupted protein product. Loss-of-function variants in ATM are known to be pathogenic (PMID: 23807571, 25614872). This variant has not been reported in the literature in individuals affected with ATM-related conditions. For these reasons, this variant has been classified as Pathogenic.

Literature cited by the submitters: PubMed 23807571; PubMed 25614872.